The following is an entry in ClinVar:

NM_170606.3(KMT2C):c.486A>G (p.Pro162=)

Gene: KMT2C (lysine methyltransferase 2C; minus strand). Cytogenetic location: 7q36.1.
Variant type: single nucleotide variant.
Coding change: c.486A>G on transcript NM_170606.3 (MANE Select); coding-DNA position 486, A replaced by G.
Protein change: p.Pro162=; no amino-acid change (proline 162 retained).
Molecular consequence: synonymous variant.
Genome position (GRCh38, 1-based): chr7:152,315,242, T>C on the plus strand (A>G on the coding strand, the complement: KMT2C is on the minus strand). VCF-style: chr7-152315242-T-C. GRCh37 (hg19) VCF-style: chr7-152012327-T-C.
Other names: c.486A>G (NM_170606.2).
Identifiers: ClinVar variation 1583564 (VCV001583564.11), dbSNP rs141143474, ClinGen allele CA4581712.

ClinVar aggregate classification (germline): Likely benign. Review status: criteria provided, multiple submitters, no conflicts (2 of 4 stars). 3 submissions from 3 submitters: Likely benign (2). 1 of the submissions does not count toward it. Last evaluated 2025-07-31.

Conditions:
KMT2C-related disorder. Also called: KMT2C-related condition; KMT2C-related disorders.

Allele frequency attached by ClinVar (database versions not stated): ExAC 0.00002; ESP Exome Variant Server 0.00008; gnomAD 0.00009; TOPMed 0.00017; 1000 Genomes Project 0.00020; 1000 Genomes Project 30x 0.00031.
gnomAD v4.1: 34 of 1,614,034 alleles (0.0021%); highest among the groups gnomAD compares: African/African-American, 0.016%; no homozygotes.

Submissions (3):

Labcorp Genetics (formerly Invitae), Labcorp
Classification: Likely benign. Last evaluated: 2025-07-31. Review status: criteria provided, single submitter. Criteria: Invitae Variant Classification Sherloc (09022015). Collection method: clinical testing. Allele origin: germline.

Blueprint Genetics
Classification: Likely benign. Last evaluated: 2024-11-11. Review status: criteria provided, single submitter. Criteria: ACMG Guidelines, 2015. Collection method: clinical testing. Allele origin: germline.

PreventionGenetics, part of Exact Sciences
Classification: Likely benign for KMT2C-related condition. Last evaluated: 2019-08-05. Review status: no assertion criteria provided. Collection method: clinical testing. Allele origin: germline. Not counted in ClinVar's aggregate classification.
Comment: This variant is classified as likely benign based on ACMG/AMP sequence variant interpretation guidelines (Richards et al. 2015 PMID: 25741868, with internal and published modifications).